The following continues an entry in ClinVar:

NM_000017.4(ACADS):c.1147C>T (p.Arg383Cys)

Gene: ACADS. ClinVar aggregate classification (germline): Pathogenic/Likely pathogenic. Pathogenic (11); Likely pathogenic (3).

Submissions 13 to 16 of 16:

Victorian Clinical Genetics Services, Murdoch Childrens Research Institute
Classification: Pathogenic for Deficiency of butyryl-CoA dehydrogenase. Last evaluated: 2020-05-25. Review status: criteria provided, single submitter. Criteria: ACMG Guidelines, 2015. Collection method: clinical testing. Allele origin: germline. Inheritance: Autosomal recessive inheritance. Affected: yes.
Comment: A heterozygous missense variant was identified, NM_000017.3(ACADS):c.1147C>T in exon 10 of 10 of the ACADS gene. This substitution is predicted to create a major amino acid change from arginine to cysteine at position 383 of the protein, NP_000008.1 (ACADS):p.(Arg383Cys). The arginine at this position has very high conservation (100 vertebrates, UCSC), and is located within the Acyl-CoA dehydrogenase C-term domain. In silico software predicts this variant to be damaging (Polyphen, SIFT, CADD, Mutation Taster). The variant is present in the gnomAD population database at a frequency of 0.009% (26 heterozygotes, 0 homozygotes). The variant has been previously reported pathogenic in patients with deficiency of short-chain acyl-CoA dehydrogenase (ClinVar; Gregersen, N. et al. (1998); Pedersen, C.B. et al. (2008); Corydon, M.J. et al. (2001); Waisbren, S.E. et al. (2013); Pena, L. et al. (2012)). In addition, studies show that this variant impacts protein function (Pedersen, C.B. et al. (2008); Gregersen, N. et al. (1998)). A different variant in the same codon resulting in a change to histidine has been reported VUS (ClinVar; Gregersen, N. et al. (2008)). Based on information available at the time of curation, this variant has been classified as PATHOGENIC.

Illumina Laboratory Services, Illumina
Classification: Likely pathogenic for Deficiency of butyryl-CoA dehydrogenase. Last evaluated: 2018-12-17. Review status: criteria provided, single submitter. Criteria: ICSL Variant Classification Criteria 09 May 2019. Collection method: clinical testing. Allele origin: germline.
Comment: The ACADS c.1147C>T (p.Arg383Cys) missense variant has been reported in at least five studies and is found in a total of eight individuals with SCAD deficiency including in one in a homozygous state, four in a compound heterozygous state, and three in a heterozygous state (Gregersen et al. 1998; Corydon et al. 2001; Pedersen et al. 2008; Dessein et al. 2017; Kilic et al. 2017). All of the compound heterozygous individuals also carried a c.625G>A variant in a homozygous or heterozygous state. The p.Arg383Cys variant was absent from 248 healthy controls and is reported at a frequency of 0.000681 in the African American population of the Exome Sequencing Project. Pedersen et al. (2003) found thep.Arg383Cys variant caused severely impaired folding and exhibited an increased dependence on the hsp60 machinery and remained associated with the hsp60 complex for longer periods of time than wild type protein. Based on the evidence, the p.Arg383Cys variant is classified as likely pathogenic for SCAD deficiency. This variant was observed by ICSL as part of a predisposition screen in an ostensibly healthy population.

Counsyl
Classification: Likely pathogenic for Deficiency of butyryl-CoA dehydrogenase. Last evaluated: 2017-03-14. Review status: no assertion criteria provided. Collection method: clinical testing. Allele origin: unknown. Not counted in ClinVar's aggregate classification.

OMIM
Classification: Pathogenic for SCAD DEFICIENCY. Last evaluated: 2001-01-01. Review status: no assertion criteria provided. Collection method: literature only. Allele origin: germline. Not counted in ClinVar's aggregate classification.

Literature cited by the submitters: PubMed 16926354 (cited by 3 submitters); PubMed 9499414 (cited by 7 submitters); PubMed 30035407 (cited by 3 submitters); PubMed 11134486 (cited by 5 submitters); PubMed 28532786 (cited by Mayo Clinic Laboratories, Mayo Clinic and Illumina Laboratory Services, Illumina); PubMed 31813752 (cited by Mayo Clinic Laboratories, Mayo Clinic and Labcorp Genetics (formerly Invitae), Labcorp); PubMed 22241096 (cited by Labcorp Genetics (formerly Invitae), Labcorp and Counsyl); PubMed 14506246 (cited by 3 submitters); PubMed 18523805 (cited by Labcorp Genetics (formerly Invitae), Labcorp and Illumina Laboratory Services, Illumina); PubMed 27938594 (cited by 3billion); PubMed 28516284 (cited by Illumina Laboratory Services, Illumina); PubMed 23798014 (cited by Counsyl).